The following is an entry in ClinVar:

NM_032588.4(TRIM63):c.*1G>T

Gene: TRIM63 (tripartite motif containing 63; minus strand). Cytogenetic location: 1p36.11.
Variant type: single nucleotide variant.
Coding change: c.*1G>T on transcript NM_032588.4 (MANE Select); 1 bases downstream of the stop codon, G replaced by T.
Molecular consequence: 3 prime UTR variant.
Genome position (GRCh38, 1-based): chr1:26,051,872, C>A on the plus strand (G>T on the coding strand, the complement: TRIM63 is on the minus strand). VCF-style: chr1-26051872-C-A. GRCh37 (hg19) VCF-style: chr1-26378363-C-A.
Identifiers: ClinVar variation 3895374 (VCV003895374.2), dbSNP rs571029682.

ClinVar aggregate classification (germline): Likely benign. Review status: criteria provided, multiple submitters, no conflicts (2 of 4 stars). 2 submissions from 2 submitters: Likely benign (2). Last evaluated 2026-08-23.

Conditions:
TRIM63-related disorder. Also called: TRIM63-related condition.

Submissions (2):

PreventionGenetics, part of Exact Sciences
Classification: Likely benign for TRIM63-related condition. Last evaluated: 2026-08-23. Review status: criteria provided, single submitter. Criteria: ACMG Guidelines, 2015. Collection method: clinical testing. Allele origin: germline.
Comment: This variant is classified as likely benign based on ACMG/AMP sequence variant interpretation guidelines (Richards et al. 2015 PMID: 25741868, with internal and published modifications).

Molecular Diagnostic Laboratory for Inherited Cardiovascular Disease, Montreal Heart Institute
Classification: Likely benign. Last evaluated: 2025-04-09. Review status: criteria provided, single submitter. Criteria: ACMG Guidelines, 2015. Collection method: clinical testing. Allele origin: germline. Affected: no.
Comment: BS1